The following is an entry in ClinVar:

ClinVar aggregate classification (germline): Uncertain significance (1 of 4 stars; one submission).

Conditions:
Hereditary cancer-predisposing syndrome. Also called: Neoplastic Syndromes, Hereditary; Tumor predisposition; Hereditary neoplastic syndrome; Hereditary Cancer Syndrome. Identifiers: Orphanet 140162, MedGen C0027672, MeSH D009386, MONDO:0015356.

Submission:

Ambry Genetics
Classification: Uncertain significance for Hereditary cancer-predisposing syndrome. Last evaluated: 2025-03-28. Review status: criteria provided, single submitter. Criteria: Ambry Variant Classification Scheme 2023. Collection method: clinical testing. Allele origin: germline.
Comment: The p.F1480L variant (also known as c.4440C>G), located in coding exon 29 of the ALK gene, results from a C to G substitution at nucleotide position 4440. The phenylalanine at codon 1480 is replaced by leucine, an amino acid with highly similar properties. This amino acid position is not well conserved in available vertebrate species. In addition, this alteration is predicted to be tolerated by in silico analysis. Based on the available evidence, the clinical significance of this variant remains unclear.

NM_004304.5(ALK):c.4440C>G (p.Phe1480Leu)

Gene: ALK (ALK receptor tyrosine kinase; minus strand). Cytogenetic location: 2p23.2.
Variant type: single nucleotide variant.
Coding change: c.4440C>G on transcript NM_004304.5 (MANE Select); coding-DNA position 4440, C replaced by G.
Protein change: p.Phe1480Leu; replaces phenylalanine 1480 with leucine.
Molecular consequence: missense variant.
Genome position (GRCh38, 1-based): chr2:29,193,647, G>C on the plus strand (C>G on the coding strand, the complement: ALK is on the minus strand). VCF-style: chr2-29193647-G-C. GRCh37 (hg19) VCF-style: chr2-29416513-G-C.
Other names: c.1236C>G, p.Phe412Leu (NM_001353765.2); short protein forms F1480L, F412L.
Identifiers: ClinVar variation 4039080 (VCV004039080.1).